The following is an entry in ClinVar:

NM_004444.5(EPHB4):c.997C>T (p.Arg333Cys)

Gene: EPHB4 (EPH receptor B4; minus strand). Cytogenetic location: 7q22.1.
Variant type: single nucleotide variant.
Coding change: c.997C>T on transcript NM_004444.5 (MANE Select); coding-DNA position 997, C replaced by T.
Protein change: p.Arg333Cys; replaces arginine 333 with cysteine.
Molecular consequence: missense variant.
Genome position (GRCh38, 1-based): chr7:100,819,857, G>A on the plus strand (C>T on the coding strand, the complement: EPHB4 is on the minus strand). VCF-style: chr7-100819857-G-A. GRCh37 (hg19) VCF-style: chr7-100417479-G-A.
Other names: short protein forms R333C.
Identifiers: ClinVar variation 2624655 (VCV002624655.27), dbSNP rs772457252, ClinGen allele CA4393128.

ClinVar aggregate classification (germline): Conflicting classifications of pathogenicity. Review status: criteria provided, conflicting classifications (1 of 4 stars). 3 submissions from 3 submitters: Uncertain significance (2); Likely benign (1). Last evaluated 2025-11-26.

Conditions:
Cardiovascular phenotype. Identifiers: MedGen CN230736.

Allele frequency attached by ClinVar (database versions not stated): gnomAD exomes 0.00001; gnomAD 0.00003; TOPMed 0.00003.
gnomAD v4.1: 15 of 1,551,096 alleles (0.00097%); highest among the groups gnomAD compares: African/African-American, 0.011%; no homozygotes.

Submissions (3):

Labcorp Genetics (formerly Invitae), Labcorp
Classification: Likely benign. Last evaluated: 2025-11-26. Review status: criteria provided, single submitter. Criteria: Invitae Variant Classification Sherloc (09022015). Collection method: clinical testing. Allele origin: germline.

Ambry Genetics
Classification: Uncertain significance for Cardiovascular phenotype. Last evaluated: 2023-07-29. Review status: criteria provided, single submitter. Criteria: Ambry Variant Classification Scheme 2023. Collection method: clinical testing. Allele origin: germline.
Comment: The p.R333C variant (also known as c.997C>T), located in coding exon 6 of the EPHB4 gene, results from a C to T substitution at nucleotide position 997. The arginine at codon 333 is replaced by cysteine, an amino acid with highly dissimilar properties. This amino acid position is conserved. In addition, this alteration is predicted to be tolerated by in silico analysis. Since supporting evidence is limited at this time, the clinical significance of this alteration remains unclear.

CeGaT Center for Human Genetics Tuebingen
Classification: Uncertain significance. Last evaluated: 2022-12-01. Review status: criteria provided, single submitter. Criteria: CeGaT Center For Human Genetics Tuebingen Variant Classification Criteria Version 2. Collection method: clinical testing. Allele origin: germline. Affected: yes. Observed: 1 variant allele.
Comment: EPHB4: PM2, BP4